The following is an entry in ClinVar:

ClinVar aggregate classification (germline): Uncertain significance. Review status: criteria provided, multiple submitters, no conflicts (2 of 4 stars). 2 submissions from 2 submitters: Uncertain significance (2). Last evaluated 2024-07-12.

Conditions:
Nemaline myopathy 2 (NEM2). Also called: Nemaline myopathy 2, autosomal recessive. Identifiers: MedGen C1850569, MONDO:0009725, OMIM 256030.

Submissions (2):

Women's Health and Genetics/Laboratory Corporation of America, LabCorp
Classification: Uncertain significance. Last evaluated: 2024-07-12. Review status: criteria provided, single submitter. Criteria: LabCorp Variant Classification Summary - May 2015. Collection method: clinical testing. Allele origin: germline.
Comment: Variant summary: NEB c.17629G>T (p.Asp5877Tyr) results in a non-conservative amino acid change in the encoded protein sequence. Three of five in-silico tools predict a damaging effect of the variant on protein function. The variant was absent in 236858 control chromosomes. The available data on variant occurrences in the general population are insufficient to allow any conclusion about variant significance. To our knowledge, no occurrence of c.17629G>T in individuals affected with Nemaline Myopathy 2 and no experimental evidence demonstrating its impact on protein function have been reported. ClinVar contains an entry for this variant (Variation ID: 2840006). Based on the evidence outlined above, the variant was classified as uncertain significance.

Labcorp Genetics (formerly Invitae), Labcorp
Classification: Uncertain significance for Nemaline myopathy 2. Last evaluated: 2023-02-22. Review status: criteria provided, single submitter. Criteria: Invitae Variant Classification Sherloc (09022015). Collection method: clinical testing. Allele origin: germline.
Comment: In summary, the available evidence is currently insufficient to determine the role of this variant in disease. Therefore, it has been classified as a Variant of Uncertain Significance. Experimental studies and prediction algorithms are not available or were not evaluated, and the functional significance of this variant is currently unknown. This sequence change replaces aspartic acid, which is acidic and polar, with tyrosine, which is neutral and polar, at codon 5877 of the NEB protein (p.Asp5877Tyr). This variant is not present in population databases (gnomAD no frequency). This variant has not been reported in the literature in individuals affected with NEB-related conditions.

NM_001164508.2(NEB):c.17629G>T (p.Asp5877Tyr)

Gene: NEB (nebulin; minus strand). Cytogenetic location: 2q23.3.
Variant type: single nucleotide variant.
Coding change: c.17629G>T on transcript NM_001164508.2 (MANE Select); coding-DNA position 17629, G replaced by T.
Protein change: p.Asp5877Tyr; replaces aspartic acid 5877 with tyrosine.
Molecular consequence: missense variant.
Genome position (GRCh38, 1-based): chr2:151,568,623, C>A on the plus strand (G>T on the coding strand, the complement: NEB is on the minus strand). VCF-style: chr2-151568623-C-A. GRCh37 (hg19) VCF-style: chr2-152425137-C-A.
Other names: c.17629G>T, p.Asp5877Tyr (NM_001164507.2, NM_001271208.2); c.12526G>T, p.Asp4176Tyr (NM_004543.5); short protein forms D4176Y, D5877Y.
Identifiers: ClinVar variation 2840006 (VCV002840006.4), dbSNP rs771170217, ClinGen allele CA348805085.